The following is an entry in ClinVar:

NM_000843.4(GRM6):c.1763C>T (p.Pro588Leu)

Genes: ZNF454 (zinc finger protein 454; plus strand), GRM6 (glutamate metabotropic receptor 6; minus strand). Cytogenetic location: 5q35.3.
Variant type: single nucleotide variant.
Coding change: c.1763C>T on transcript NM_000843.4 (MANE Select); coding-DNA position 1763, C replaced by T.
Protein change: p.Pro588Leu; replaces proline 588 with leucine.
Molecular consequence: missense variant.
Genome position (GRCh38, 1-based): chr5:178,986,491, G>A on the plus strand (C>T on the coding strand, the complement: GRM6 is on the minus strand). VCF-style: chr5-178986491-G-A. GRCh37 (hg19) VCF-style: chr5-178413492-G-A.
Other names: short protein forms P588L.
Identifiers: ClinVar variation 856538 (VCV000856538.12), dbSNP rs142780395, ClinGen allele CA3593938.
Genomic context (GRCh38, chr5:178,986,491, plus strand): 5'-ACGAAGGTGGCCACCACCGTGGTAGTGGCCACGATGCCCAGCACGGCCAGGAGGAGCGGC[G>A]GGGCTGCCCAGGGGGAGGACCAGCTCAGGCGCACCACAGGTGTGGGGCGGCAGCCCGTGT-3'
Protein context (NP_000834.2, residues 578-598): RLSWSSPWAA[Pro588Leu]PLLLAVLGIV

ClinVar aggregate classification (germline): Conflicting classifications of pathogenicity. Review status: criteria provided, conflicting classifications (1 of 4 stars). 3 submissions from 3 submitters: Uncertain significance (1); Likely benign (2). Last evaluated 2026-01-18.

Conditions:
GRM6-related disorder. Also called: GRM6-related condition.

Allele frequency attached by ClinVar (database versions not stated): ESP Exome Variant Server 0.00031; ExAC 0.00054; TOPMed 0.00055; gnomAD exomes 0.00061 and 0.00064; gnomAD 0.00063 and 0.00064; 1000 Genomes Project 30x 0.00078; 1000 Genomes Project 0.00100.
gnomAD v4.1: 1,040 of 1,610,612 alleles (0.065%); highest among the groups gnomAD compares: Admixed American, 0.11%; 2 homozygotes.

Submissions (3):

Labcorp Genetics (formerly Invitae), Labcorp
Classification: Likely benign. Last evaluated: 2026-01-18. Review status: criteria provided, single submitter. Criteria: Invitae Variant Classification Sherloc (09022015). Collection method: clinical testing. Allele origin: germline.

PreventionGenetics, part of Exact Sciences
Classification: Uncertain significance for GRM6-related condition. Last evaluated: 2025-05-02. Review status: criteria provided, single submitter. Criteria: ACMG Guidelines, 2015. Collection method: clinical testing. Allele origin: germline.
Comment: The GRM6 c.1763C>T variant is predicted to result in the amino acid substitution p.Pro588Leu. This variant was reported as variant of uncertain significance in a study of individuals with Retinal / optic nerve disease, however no additional information was provided (Diñeiro et al. 2020. PubMed ID: 32483926). This variant is reported in 0.091% of alleles in individuals of Latino descent in gnomAD, which is higher than expected for disease causing variant. Although we suspect that this variant may be benign, at this time, the clinical significance of this variant is uncertain due to the absence of conclusive functional and genetic evidence.

Blueprint Genetics
Classification: Likely benign. Last evaluated: 2024-11-13. Review status: criteria provided, single submitter. Criteria: ACMG Guidelines, 2015. Collection method: clinical testing. Allele origin: germline.